The following is an entry in ClinVar:

NC_000015.9:g.(?_89801915)_(89805129_?)del

Gene: FANCI (FA complementation group I; plus strand). Cytogenetic location: 15q26.1.
Variant type: Deletion.
Identifiers: ClinVar variation 3243706 (VCV003243706.1).

ClinVar aggregate classification (germline): Pathogenic (1 of 4 stars; one submission).

Conditions:
Fanconi anemia (FA). Also called: Fanconi's anemia. Identifiers: Orphanet 84, MedGen C0015625, MeSH D005199, MONDO:0019391.

Submission:

Labcorp Genetics (formerly Invitae), Labcorp
Classification: Pathogenic for Fanconi anemia. Last evaluated: 2023-07-22. Review status: criteria provided, single submitter. Criteria: Invitae Variant Classification Sherloc (09022015). Collection method: clinical testing. Allele origin: unknown.
Comment: For these reasons, this variant has been classified as Pathogenic. This variant has not been reported in the literature in individuals affected with FANCI-related conditions. This variant is a gross deletion of the genomic region encompassing exon(s) 3-6 of the FANCI gene. This deletion is out-of-frame, and is expected to create a premature termination codon and result in an absent or disrupted protein product. Loss-of-function variants in FANCI are known to be pathogenic (PMID: 17452773, 17460694).

Literature cited by the submitters: PubMed 17452773; PubMed 17460694.